The following is an entry in ClinVar:

NM_014714.4(IFT140):c.3879G>T (p.Glu1293Asp)

Gene: IFT140 (intraflagellar transport 140; minus strand). Cytogenetic location: 16p13.3.
Variant type: single nucleotide variant.
Coding change: c.3879G>T on transcript NM_014714.4 (MANE Select); coding-DNA position 3879, G replaced by T.
Protein change: p.Glu1293Asp; replaces glutamic acid 1293 with aspartic acid.
Molecular consequence: missense variant.
Genome position (GRCh38, 1-based): chr16:1,520,042, C>A on the plus strand (G>T on the coding strand, the complement: IFT140 is on the minus strand). VCF-style: chr16-1520042-C-A. GRCh37 (hg19) VCF-style: chr16-1570043-C-A.
Other names: short protein forms E1293D.
Identifiers: ClinVar variation 1505517 (VCV001505517.6), dbSNP rs2040472652, ClinGen allele CA394224199.

ClinVar aggregate classification (germline): Uncertain significance (1 of 4 stars; one submission).

Conditions:
Saldino-Mainzer syndrome (SRTD9). Also called: Renal dysplasia, retinal pigmentary dystrophy, cerebellar ataxia and skeletal dysplasia; CONORENAL SYNDROME; SHORT-RIB THORACIC DYSPLASIA 9 WITHOUT POLYDACTYLY; short-rib thoracic dysplasia 9 with or without polydactyly. Identifiers: Orphanet 140969, MedGen C1849437, MONDO:0009964, OMIM 266920.

Submission:

Labcorp Genetics (formerly Invitae), Labcorp
Classification: Uncertain significance for Saldino-Mainzer syndrome. Last evaluated: 2022-07-06. Review status: criteria provided, single submitter. Criteria: Invitae Variant Classification Sherloc (09022015). Collection method: clinical testing. Allele origin: germline.
Comment: This variant is not present in population databases (gnomAD no frequency). This variant has not been reported in the literature in individuals affected with IFT140-related conditions. ClinVar contains an entry for this variant (Variation ID: 1505517). Algorithms developed to predict the effect of missense changes on protein structure and function are either unavailable or do not agree on the potential impact of this missense change (SIFT: "Deleterious"; PolyPhen-2: "Probably Damaging"; Align-GVGD: "Class C0"). In summary, the available evidence is currently insufficient to determine the role of this variant in disease. Therefore, it has been classified as a Variant of Uncertain Significance. This sequence change replaces glutamic acid, which is acidic and polar, with aspartic acid, which is acidic and polar, at codon 1293 of the IFT140 protein (p.Glu1293Asp).